The following is an entry in ClinVar:

NM_017909.4(RMND1):c.614-62G>A

Gene: RMND1 (required for meiotic nuclear division 1 homolog; minus strand). Cytogenetic location: 6q25.1.
Variant type: single nucleotide variant.
Coding change: c.614-62G>A on transcript NM_017909.4 (MANE Select); 62 bases into the intron before coding-DNA position 614, G replaced by A.
Molecular consequence: intron variant.
Genome position (GRCh38, 1-based): chr6:151,433,292, C>T on the plus strand (G>A on the coding strand, the complement: RMND1 is on the minus strand). VCF-style: chr6-151433292-C-T. GRCh37 (hg19) VCF-style: chr6-151754427-C-T.
Other names: c.104-62G>A (NM_001271937.2).
Identifiers: ClinVar variation 676660 (VCV000676660.1), dbSNP rs41290239, ClinGen allele CA150117799.

ClinVar aggregate classification (germline): Benign (1 of 4 stars; one submission).

Allele frequency attached by ClinVar (database versions not stated): ESP Exome Variant Server 0.01840; 1000 Genomes Project 0.01877; 1000 Genomes Project 30x 0.01983; gnomAD 0.01586 and 0.01688; TOPMed 0.01837.
gnomAD v4.1: 4,370 of 1,003,584 alleles (0.44%); highest among the groups gnomAD compares: African/African-American, 5.6%; 101 homozygotes.

Submission:

GeneDx
Classification: Benign. Last evaluated: 2018-06-18. Review status: criteria provided, single submitter. Criteria: GeneDx Variant Classification (06012015). Collection method: clinical testing. Allele origin: germline. Affected: yes.
Comment: This variant is considered likely benign or benign based on one or more of the following criteria: it is a conservative change, it occurs at a poorly conserved position in the protein, it is predicted to be benign by multiple in silico algorithms, and/or has population frequency not consistent with disease.